The following is an entry in ClinVar:

ClinVar aggregate classification (germline): Uncertain significance. Review status: criteria provided, multiple submitters, no conflicts (2 of 4 stars). 3 submissions from 3 submitters: Uncertain significance (3). Last evaluated 2023-10-17.

Conditions:
Autosomal recessive nonsyndromic hearing loss 63. Identifiers: Orphanet 90636, MedGen C1969621, MONDO:0012670, OMIM 611451.

Allele frequency attached by ClinVar (database versions not stated): gnomAD exomes 0.00001; TOPMed 0.00001.
gnomAD v4.1: 19 of 1,550,962 alleles (0.0012%); highest among the groups gnomAD compares: Non-Finnish European, 0.0017%; no homozygotes.

Submissions (3):

Blueprint Genetics
Classification: Uncertain significance. Last evaluated: 2023-10-17. Review status: criteria provided, single submitter. Criteria: ACMG Guidelines, 2015. Collection method: clinical testing. Allele origin: germline.

Illumina Laboratory Services, Illumina
Classification: Uncertain significance for Autosomal recessive nonsyndromic hearing loss 63. Last evaluated: 2018-01-12. Review status: criteria provided, single submitter. Criteria: ICSL Variant Classification Criteria 13 December 2019. Collection method: clinical testing. Allele origin: germline.

Laboratory for Molecular Medicine, Mass General Brigham Personalized Medicine
Classification: Uncertain significance. Last evaluated: 2015-06-11. Review status: criteria provided, single submitter. Criteria: LMM Criteria. Collection method: clinical testing. Allele origin: germline. Observed: 1 variant allele.
Comment: Variant classified as Uncertain Significance - Favor Benign. The p.Leu66Val vari ant in LRTOMT has not been previously reported in individuals with hearing loss or in large population studies. Leucine (Leu) at position 66 is not conserved th rough species, with multiple birds and fish species having a valine (Val) at thi s position. Additional computational prediction tools suggest that this variant may not impact the protein, though this information is not predictive enough to rule out pathogenicity. In summary, while the clinical significance of the p.Leu 66Val variant is uncertain, the lack of evolutionarily conservation suggests tha t it is more likely to be benign.

NM_001145308.5(LRTOMT):c.196C>G (p.Leu66Val)

Genes: LRTOMT (leucine rich transmembrane and O-methyltransferase domain containing; plus strand), TOMT (transmembrane O-methyltransferase; plus strand). Cytogenetic location: 11q13.4.
Variant type: single nucleotide variant.
Coding change: c.196C>G on transcript NM_001145308.5; coding-DNA position 196, C replaced by G.
Protein change: p.Leu66Val; replaces leucine 66 with valine.
Molecular consequence: missense variant. On other transcripts: intron variant (1).
Genome position (GRCh38, 1-based): chr11:72,106,048, C>G. VCF-style: chr11-72106048-C-G. GRCh37 (hg19) VCF-style: chr11-71817094-C-G.
Other names: c.97C>G, p.Leu33Val (NM_001393500.2); c.196C>G, p.Leu66Val (NM_001145309.4); c.84-8C>G (NM_001145310.4); short protein forms L66V, L33V.
Identifiers: ClinVar variation 228840 (VCV000228840.9), dbSNP rs876657864, ClinGen allele CA10576899.